The following is an entry in ClinVar:

ClinVar aggregate classification (germline): Uncertain significance (1 of 4 stars; one submission).

Allele frequency attached by ClinVar (database versions not stated): gnomAD exomes below 0.00001; gnomAD 0.00001; TOPMed 0.00004; ESP Exome Variant Server 0.00015.
gnomAD v4.1: 3 of 1,595,344 alleles (0.00019%); highest among the groups gnomAD compares: African/African-American, 0.004%; no homozygotes.

Submission:

Labcorp Genetics (formerly Invitae), Labcorp
Classification: Uncertain significance. Last evaluated: 2023-11-28. Review status: criteria provided, single submitter. Criteria: Invitae Variant Classification Sherloc (09022015). Collection method: clinical testing. Allele origin: germline.
Comment: This sequence change replaces histidine, which is basic and polar, with glutamine, which is neutral and polar, at codon 322 of the GNAT2 protein (p.His322Gln). This variant is not present in population databases (gnomAD no frequency). This variant has not been reported in the literature in individuals affected with GNAT2-related conditions. ClinVar contains an entry for this variant (Variation ID: 938685). Advanced modeling of protein sequence and biophysical properties (such as structural, functional, and spatial information, amino acid conservation, physicochemical variation, residue mobility, and thermodynamic stability) performed at Invitae indicates that this missense variant is expected to disrupt GNAT2 protein function with a positive predictive value of 80%. In summary, the available evidence is currently insufficient to determine the role of this variant in disease. Therefore, it has been classified as a Variant of Uncertain Significance.

NM_001377295.2(GNAT2):c.966C>G (p.His322Gln)

Gene: GNAT2 (G protein subunit alpha transducin 2; minus strand). Cytogenetic location: 1p13.3.
Variant type: single nucleotide variant.
Coding change: c.966C>G on transcript NM_001377295.2 (MANE Select); coding-DNA position 966, C replaced by G.
Protein change: p.His322Gln; replaces histidine 322 with glutamine.
Molecular consequence: missense variant.
Genome position (GRCh38, 1-based): chr1:109,603,453, G>C on the plus strand (C>G on the coding strand, the complement: GNAT2 is on the minus strand). VCF-style: chr1-109603453-G-C. GRCh37 (hg19) VCF-style: chr1-110146075-G-C.
Other names: c.966C>G, p.His322Gln (NM_001379232.1, NM_005272.5); short protein forms H322Q.
Identifiers: ClinVar variation 938685 (VCV000938685.6), dbSNP rs139314029, ClinGen allele CA28675213.